The following is an entry in ClinVar:

NM_205834.4(LSR):c.1546C>A (p.Pro516Thr)

Gene: LSR (lipolysis stimulated lipoprotein receptor; plus strand). Cytogenetic location: 19q13.12.
Variant type: single nucleotide variant.
Coding change: c.1546C>A on transcript NM_205834.4 (MANE Select); coding-DNA position 1546, C replaced by A.
Protein change: p.Pro516Thr; replaces proline 516 with threonine.
Molecular consequence: missense variant.
Genome position (GRCh38, 1-based): chr19:35,267,510, C>A. VCF-style: chr19-35267510-C-A. GRCh37 (hg19) VCF-style: chr19-35758413-C-A.
Other names: c.1486C>A, p.Pro496Thr (NM_001260489.2); c.1222C>A, p.Pro408Thr (NM_001260490.2); c.1339C>A, p.Pro447Thr (NM_001385215.1); c.1489C>A, p.Pro497Thr (NM_015925.7); c.1342C>A, p.Pro448Thr (NM_205835.4); short protein forms P408T, P447T, P448T, P496T, P497T, P516T.
Identifiers: ClinVar variation 4799566 (VCV004799566.1).

ClinVar aggregate classification (germline): Uncertain significance (1 of 4 stars; one submission).

Submission:

Labcorp Genetics (formerly Invitae), Labcorp
Classification: Uncertain significance. Last evaluated: 2025-07-31. Review status: criteria provided, single submitter. Criteria: Invitae Variant Classification Sherloc (09022015). Collection method: clinical testing. Allele origin: germline.
Comment: This sequence change replaces proline, which is neutral and non-polar, with threonine, which is neutral and polar, at codon 564 of the LSR protein (p.Pro564Thr). This variant is not present in population databases (gnomAD no frequency). This variant has not been reported in the literature in individuals affected with LSR-related conditions. An algorithm developed to predict the effect of missense changes on protein structure and function (PolyPhen-2) suggests that this variant is likely to be tolerated. In summary, the available evidence is currently insufficient to determine the role of this variant in disease. Therefore, it has been classified as a Variant of Uncertain Significance.